The following is an entry in ClinVar:

ClinVar aggregate classification (germline): Uncertain significance (1 of 4 stars; one submission).

Conditions:
Inborn genetic diseases. Identifiers: MedGen C0950123, MeSH D030342.

Submission:

Ambry Genetics
Classification: Uncertain significance for Inborn genetic diseases. Last evaluated: 2026-02-14. Review status: criteria provided, single submitter. Criteria: Ambry Variant Classification Scheme 2023. Collection method: clinical testing. Allele origin: germline.
Comment: The p.A1258S variant (also known as c.3772G>T), located in coding exon 13 of the ASXL1 gene, results from a G to T substitution at nucleotide position 3772. The alanine at codon 1258 is replaced by serine, an amino acid with similar properties. This amino acid position is conserved. In addition, this alteration is predicted to be tolerated by in silico analysis. Based on the available evidence, the clinical significance of this variant remains unclear.

NM_015338.6(ASXL1):c.3772G>T (p.Ala1258Ser)

Gene: ASXL1 (ASXL transcriptional regulator 1; plus strand). Cytogenetic location: 20q11.21.
Variant type: single nucleotide variant.
Coding change: c.3772G>T on transcript NM_015338.6 (MANE Select); coding-DNA position 3772, G replaced by T.
Protein change: p.Ala1258Ser; replaces alanine 1258 with serine.
Molecular consequence: missense variant.
Genome position (GRCh38, 1-based): chr20:32,436,484, G>T. VCF-style: chr20-32436484-G-T. GRCh37 (hg19) VCF-style: chr20-31024287-G-T.
Other names: c.3589G>T, p.Ala1197Ser (NM_001363734.1); short protein forms A1258S, A1197S.
Identifiers: ClinVar variation 4825224 (VCV004825224.1).
Genomic context (GRCh38, chr20:32,436,484, plus strand): 5'-TTTAGTTGTGAAGATCAGAAGGAAGTCCGTGCTATGTCACAGGACAGTAATTCAAATGCT[G>T]CTCCAGGAAAGAGCCCAGGAGATCTTACTACCTCGAGAACACCTCGTTTCTCATCTCCAA-3'
Protein context (NP_056153.2, residues 1248-1268): AMSQDSNSNA[Ala1258Ser]PGKSPGDLTT